The following is an entry in ClinVar:

ClinVar aggregate classification (germline): Uncertain significance (1 of 4 stars; one submission).

gnomAD v4.1: 2 of 1,613,992 alleles (0.00012%); highest among the groups gnomAD compares: Non-Finnish European, 0.00017%; no homozygotes.

Submission:

Labcorp Genetics (formerly Invitae), Labcorp
Classification: Uncertain significance. Last evaluated: 2021-11-06. Review status: criteria provided, single submitter. Criteria: Invitae Variant Classification Sherloc (09022015). Collection method: clinical testing. Allele origin: germline.
Comment: In summary, the available evidence is currently insufficient to determine the role of this variant in disease. Therefore, it has been classified as a Variant of Uncertain Significance. Algorithms developed to predict the effect of missense changes on protein structure and function are either unavailable or do not agree on the potential impact of this missense change (SIFT: "Deleterious"; PolyPhen-2: "Probably Damaging"; Align-GVGD: "Class C0"). This variant has not been reported in the literature in individuals affected with CTNNA1-related conditions. This variant is not present in population databases (gnomAD no frequency). This sequence change replaces alanine, which is neutral and non-polar, with glutamic acid, which is acidic and polar, at codon 549 of the CTNNA1 protein (p.Ala549Glu).

NM_001903.5(CTNNA1):c.1646C>A (p.Ala549Glu)

Gene: CTNNA1 (catenin alpha 1; plus strand). Cytogenetic location: 5q31.2.
Variant type: single nucleotide variant.
Coding change: c.1646C>A on transcript NM_001903.5 (MANE Select); coding-DNA position 1646, C replaced by A.
Protein change: p.Ala549Glu; replaces alanine 549 with glutamic acid.
Molecular consequence: missense variant.
Genome position (GRCh38, 1-based): chr5:138,924,609, C>A. VCF-style: chr5-138924609-C-A. GRCh37 (hg19) VCF-style: chr5-138260298-C-A.
Other names: c.536C>A, p.Ala179Glu (NM_001323993.1, NM_001323994.1, NM_001323995.1 and 17 more transcripts); c.293C>A, p.Ala98Glu (NM_001324012.1, NM_001324013.1); c.1646C>A, p.Ala549Glu (NM_001290307.3, NM_001323982.2, NM_001323983.1 and 2 more transcripts); c.1337C>A, p.Ala446Glu (NM_001290309.3); c.1277C>A, p.Ala426Glu (NM_001290310.3); c.1553C>A, p.Ala518Glu (NM_001323986.2); c.197C>A, p.Ala66Glu (NM_001324006.1, NM_001324007.1, NM_001324008.1 and 2 more transcripts); c.443C>A, p.Ala148Glu (NM_001324011.1); short protein forms A446E, A98E, A518E, A179E, A426E, A549E, A66E, A148E.
Identifiers: ClinVar variation 1424833 (VCV001424833.6), dbSNP rs2150288960, ClinGen allele CA361131888.